The following is an entry in ClinVar:

ClinVar aggregate classification (germline): Uncertain significance (1 of 4 stars; one submission).

Conditions:
Primary open angle glaucoma (POAG). Also called: OPTN-related open angle glaucoma. Identifiers: MedGen C0339573, MONDO:0100553, OMIM 137760.
Glaucoma 1, open angle, E. Identifiers: MedGen C1842026, MONDO:0007665.
Amyotrophic lateral sclerosis type 12 (ALS12). Also called: AMYOTROPHIC LATERAL SCLEROSIS 12 WITH OR WITHOUT FRONTOTEMPORAL DEMENTIA. Identifiers: Orphanet 803, MedGen C3150692, MONDO:0013264, OMIM 613435.

Submission:

Labcorp Genetics (formerly Invitae), Labcorp
Classification: Uncertain significance for Primary open angle glaucoma; Glaucoma 1, open angle, E; Amyotrophic lateral sclerosis type 12. Last evaluated: 2025-11-13. Review status: criteria provided, single submitter. Criteria: Invitae Variant Classification Sherloc (09022015). Collection method: clinical testing. Allele origin: germline.
Comment: This sequence change replaces glutamine, which is neutral and polar, with glutamic acid, which is acidic and polar, at codon 79 of the OPTN protein (p.Gln79Glu). This variant is not present in population databases (gnomAD no frequency). This variant has not been reported in the literature in individuals affected with OPTN-related conditions. Invitae Evidence Modeling of protein sequence and biophysical properties (such as structural, functional, and spatial information, amino acid conservation, physicochemical variation, residue mobility, and thermodynamic stability) has been performed for this missense variant. However, the output from this modeling did not meet the statistical confidence thresholds required to predict the impact of this variant on OPTN protein function. In summary, the available evidence is currently insufficient to determine the role of this variant in disease. Therefore, it has been classified as a Variant of Uncertain Significance.

NM_001008212.2(OPTN):c.235C>G (p.Gln79Glu)

Genes: OPTN (optineurin; plus strand), LOC108903148 (10p13 OPTN distal Alu-mediated recombination region; plus strand). Cytogenetic location: 10p13.
Variant type: single nucleotide variant.
Coding change: c.235C>G on transcript NM_001008212.2 (MANE Select); coding-DNA position 235, C replaced by G.
Protein change: p.Gln79Glu; replaces glutamine 79 with glutamic acid.
Molecular consequence: missense variant.
Genome position (GRCh38, 1-based): chr10:13,110,342, C>G. VCF-style: chr10-13110342-C-G. GRCh37 (hg19) VCF-style: chr10-13152342-C-G.
Other names: c.235C>G, p.Gln79Glu (NM_001008211.1, NM_001008213.1, NM_021980.4); short protein forms Q79E.
Identifiers: ClinVar variation 4782539 (VCV004782539.1).